The following is an entry in ClinVar:

ClinVar aggregate classification (germline): Conflicting classifications of pathogenicity. Review status: criteria provided, conflicting classifications (1 of 4 stars). 2 submissions from 2 submitters: Uncertain significance (1); Likely benign (1). Last evaluated 2021-12-22.

Allele frequency attached by ClinVar (database versions not stated): gnomAD 0.00001; gnomAD exomes 0.00002; TOPMed 0.00003.
gnomAD v4.1: 31 of 1,614,064 alleles (0.0019%); highest among the groups gnomAD compares: Admixed American, 0.0067%; no homozygotes.

Submissions (2):

Labcorp Genetics (formerly Invitae), Labcorp
Classification: Uncertain significance. Last evaluated: 2021-12-22. Review status: criteria provided, single submitter. Criteria: Invitae Variant Classification Sherloc (09022015). Collection method: clinical testing. Allele origin: germline.
Comment: This sequence change replaces alanine, which is neutral and non-polar, with threonine, which is neutral and polar, at codon 106 of the CXCR2 protein (p.Ala106Thr). This variant is present in population databases (no rsID available, gnomAD 0.006%). This variant has not been reported in the literature in individuals affected with CXCR2-related conditions. Algorithms developed to predict the effect of missense changes on protein structure and function output the following: SIFT: "Tolerated"; PolyPhen-2: "Benign"; Align-GVGD: "Class C0". The threonine amino acid residue is found in multiple mammalian species, which suggests that this missense change does not adversely affect protein function. In summary, the available evidence is currently insufficient to determine the role of this variant in disease. Therefore, it has been classified as a Variant of Uncertain Significance.

Blueprint Genetics
Classification: Likely benign. Last evaluated: 2018-10-24. Review status: criteria provided, single submitter. Criteria: ACMG Guidelines, 2015. Collection method: clinical testing. Allele origin: germline.

NM_001557.4(CXCR2):c.316G>A (p.Ala106Thr)

Gene: CXCR2 (C-X-C motif chemokine receptor 2; plus strand). Cytogenetic location: 2q35.
Variant type: single nucleotide variant.
Coding change: c.316G>A on transcript NM_001557.4 (MANE Select); coding-DNA position 316, G replaced by A.
Protein change: p.Ala106Thr; replaces alanine 106 with threonine.
Molecular consequence: missense variant.
Genome position (GRCh38, 1-based): chr2:218,135,117, G>A. VCF-style: chr2-218135117-G-A. GRCh37 (hg19) VCF-style: chr2-218999840-G-A.
Other names: c.316G>A, p.Ala106Thr (NM_001168298.2); short protein forms A106T.
Identifiers: ClinVar variation 2187989 (VCV002187989.2), dbSNP rs1014647889, ClinGen allele CA65710807.
Genomic context (GRCh38, chr2:218,135,117, plus strand): 5'-TACCTGCTGAACCTAGCCTTGGCCGACCTACTCTTTGCCCTGACCTTGCCCATCTGGGCC[G>A]CCTCCAAGGTGAATGGCTGGATTTTTGGCACATTCCTGTGCAAGGTGGTCTCACTCCTGA-3'
Protein context (NP_001548.1, residues 96-116): LFALTLPIWA[Ala106Thr]SKVNGWIFGT